The following is an entry in ClinVar:

ClinVar aggregate classification (germline): Uncertain significance (1 of 4 stars; one submission).

Conditions:
DNA ligase IV deficiency. Identifiers: Orphanet 99812, MedGen C1847827, MONDO:0011686, OMIM 606593.

Allele frequency attached by ClinVar (database versions not stated): gnomAD exomes below 0.00001; TOPMed below 0.00001.

Submission:

Labcorp Genetics (formerly Invitae), Labcorp
Classification: Uncertain significance for DNA ligase IV deficiency. Last evaluated: 2022-02-05. Review status: criteria provided, single submitter. Criteria: Invitae Variant Classification Sherloc (09022015). Collection method: clinical testing. Allele origin: germline.
Comment: This sequence change replaces alanine, which is neutral and non-polar, with glycine, which is neutral and non-polar, at codon 252 of the LIG4 protein (p.Ala252Gly). This variant is not present in population databases (gnomAD no frequency). This variant has not been reported in the literature in individuals affected with LIG4-related conditions. ClinVar contains an entry for this variant (Variation ID: 949001). Algorithms developed to predict the effect of missense changes on protein structure and function (SIFT, PolyPhen-2, Align-GVGD) all suggest that this variant is likely to be tolerated. Algorithms developed to predict the effect of sequence changes on RNA splicing suggest that this variant may create or strengthen a splice site. In summary, the available evidence is currently insufficient to determine the role of this variant in disease. Therefore, it has been classified as a Variant of Uncertain Significance.

NM_206937.2(LIG4):c.755C>G (p.Ala252Gly)

Gene: LIG4 (DNA ligase 4; minus strand). Cytogenetic location: 13q33.3.
Variant type: single nucleotide variant.
Coding change: c.755C>G on transcript NM_206937.2 (MANE Select); coding-DNA position 755, C replaced by G.
Protein change: p.Ala252Gly; replaces alanine 252 with glycine.
Molecular consequence: missense variant.
Genome position (GRCh38, 1-based): chr13:108,210,514, G>C on the plus strand (C>G on the coding strand, the complement: LIG4 is on the minus strand). VCF-style: chr13-108210514-G-C. GRCh37 (hg19) VCF-style: chr13-108862862-G-C.
Other names: c.755C>G, p.Ala252Gly (NM_002312.3, NM_001098268.2, NM_001352598.2 and 6 more transcripts); c.554C>G, p.Ala185Gly (NM_001330595.2); c.791C>G, p.Ala264Gly (NM_001352604.2); short protein forms A264G, A185G, A252G.
Identifiers: ClinVar variation 949001 (VCV000949001.7), dbSNP rs1368317630, ClinGen allele CA388620677.